The following is an entry in ClinVar:

ClinVar aggregate classification (germline): Pathogenic (1 of 4 stars; one submission).

Conditions:
Nemaline myopathy 2 (NEM2). Also called: Nemaline myopathy 2, autosomal recessive. Identifiers: MedGen C1850569, MONDO:0009725, OMIM 256030.

Submission:

Labcorp Genetics (formerly Invitae), Labcorp
Classification: Pathogenic for Nemaline myopathy 2. Last evaluated: 2023-09-18. Review status: criteria provided, single submitter. Criteria: Invitae Variant Classification Sherloc (09022015). Collection method: clinical testing. Allele origin: germline.
Comment: This sequence change creates a premature translational stop signal (p.Lys7202Serfs*11) in the NEB gene. It is expected to result in an absent or disrupted protein product. Loss-of-function variants in NEB are known to be pathogenic (PMID: 25205138). For these reasons, this variant has been classified as Pathogenic. This variant has not been reported in the literature in individuals affected with NEB-related conditions. This variant is not present in population databases (gnomAD no frequency).

Literature cited by the submitters: PubMed 25205138.

NM_001164508.2(NEB):c.21500_21501del (p.Lys7167fs)

Genes: NEB (nebulin; minus strand), RIF1 (replication timing regulatory factor 1; plus strand). Cytogenetic location: 2q23.3.
Variant type: Deletion.
Coding change: c.21500_21501del on transcript NM_001164508.2 (MANE Select); coding-DNA positions 21500 to 21501, 2 bases deleted (AA; older notation c.21500_21501delAA).
Protein change: p.Lys7167fs; shifts the reading frame from lysine 7167.
Molecular consequence: frameshift variant.
Genome position (GRCh38, 1-based): chr2:151,531,813-151,531,814, TT deleted on the plus strand (AA on the coding strand, the reverse complement: NEB is on the minus strand); deleting any 2 consecutive bases within chr2:151,531,813-151,531,816 gives the same sequence; the c. name uses the placement nearest the transcript's 3' end. VCF-style (leftmost placement, unchanged base first): chr2-151531812-CTT-C. GRCh37 (hg19) VCF-style: chr2-152388326-CTT-C.
Other names: c.21500_21501del, p.Lys7167fs (NM_001164507.2); c.21605_21606del, p.Lys7202fs (NM_001271208.2); c.16397_16398del, p.Lys5466fs (NM_004543.5); short protein forms K5466fs, K7167fs, K7202fs.
Identifiers: ClinVar variation 2874975 (VCV002874975.3), dbSNP rs2552140159, ClinGen allele CA2739271339.